The following is an entry in ClinVar:

ClinVar aggregate classification (germline): Uncertain significance. Review status: criteria provided, multiple submitters, no conflicts (2 of 4 stars). 2 submissions from 2 submitters: Uncertain significance (2). Last evaluated 2026-09-11.

Conditions:
Inborn genetic diseases. Identifiers: MedGen C0950123, MeSH D030342.

Submissions (2):

Ambry Genetics
Classification: Uncertain significance for Inborn genetic diseases. Last evaluated: 2026-09-11. Review status: criteria provided, single submitter. Criteria: Ambry Variant Classification Scheme 2023. Collection method: clinical testing. Allele origin: germline.

Labcorp Genetics (formerly Invitae), Labcorp
Classification: Uncertain significance. Last evaluated: 2023-07-17. Review status: criteria provided, single submitter. Criteria: Invitae Variant Classification Sherloc (09022015). Collection method: clinical testing. Allele origin: germline.
Comment: This variant is not present in population databases (gnomAD no frequency). In summary, the available evidence is currently insufficient to determine the role of this variant in disease. Therefore, it has been classified as a Variant of Uncertain Significance. Advanced modeling of protein sequence and biophysical properties (such as structural, functional, and spatial information, amino acid conservation, physicochemical variation, residue mobility, and thermodynamic stability) performed at Invitae indicates that this missense variant is not expected to disrupt CHD8 protein function. ClinVar contains an entry for this variant (Variation ID: 2099996). This variant has not been reported in the literature in individuals affected with CHD8-related conditions. This sequence change replaces valine, which is neutral and non-polar, with isoleucine, which is neutral and non-polar, at codon 1455 of the CHD8 protein (p.Val1455Ile).

NM_001170629.2(CHD8):c.4363G>A (p.Val1455Ile)

Gene: CHD8 (chromodomain helicase DNA binding protein 8; minus strand). Cytogenetic location: 14q11.2.
Variant type: single nucleotide variant.
Coding change: c.4363G>A on transcript NM_001170629.2 (MANE Select); coding-DNA position 4363, G replaced by A.
Protein change: p.Val1455Ile; replaces valine 1455 with isoleucine.
Molecular consequence: missense variant.
Genome position (GRCh38, 1-based): chr14:21,400,882, C>T on the plus strand (G>A on the coding strand, the complement: CHD8 is on the minus strand). VCF-style: chr14-21400882-C-T. GRCh37 (hg19) VCF-style: chr14-21869041-C-T.
Other names: c.3526G>A, p.Val1176Ile (NM_020920.4); c.4363G>A (NM_001170629.1); short protein forms V1455I, V1176I.
Identifiers: ClinVar variation 2099996 (VCV002099996.5), dbSNP rs2501890451, ClinGen allele CA388894670.